The following is an entry in ClinVar:

ClinVar aggregate classification (germline): Uncertain significance (1 of 4 stars; one submission).

Submission:

Labcorp Genetics (formerly Invitae), Labcorp
Classification: Uncertain significance. Last evaluated: 2024-08-05. Review status: criteria provided, single submitter. Criteria: Invitae Variant Classification Sherloc (09022015). Collection method: clinical testing. Allele origin: germline.
Comment: This variant, c.442_801del, results in the deletion of 120 amino acid(s) of the COL8A2 protein (p.Ile148_Gly267del), but otherwise preserves the integrity of the reading frame. This variant is not present in population databases (gnomAD no frequency). This variant has not been reported in the literature in individuals affected with COL8A2-related conditions. Experimental studies and prediction algorithms are not available or were not evaluated, and the functional significance of this variant is currently unknown. In summary, the available evidence is currently insufficient to determine the role of this variant in disease. Therefore, it has been classified as a Variant of Uncertain Significance.

NM_005202.4(COL8A2):c.442_801del (p.Ile148_Gly267del)

Gene: COL8A2 (collagen type VIII alpha 2 chain; minus strand). Cytogenetic location: 1p34.3.
Variant type: Deletion.
Coding change: c.442_801del on transcript NM_005202.4 (MANE Select); coding-DNA positions 442 to 801, 360 bases deleted.
Protein change: p.Ile148_Gly267del.
Genome position (GRCh38, 1-based): chr1:36,098,880-36,099,239, 360 bases deleted. GRCh37 (hg19): chr1:36,564,495-36,564,854.
Other names: c.247_606del, p.Ile83_Gly202del (NM_001294347.2).
Identifiers: ClinVar variation 3643393 (VCV003643393.2).